The following is an entry in ClinVar:

NM_001199107.2(TBC1D24):c.1454C>T (p.Ala485Val)

Gene: TBC1D24 (TBC1 domain family member 24; plus strand). Cytogenetic location: 16p13.3.
Variant type: single nucleotide variant.
Coding change: c.1454C>T on transcript NM_001199107.2 (MANE Select); coding-DNA position 1454, C replaced by T.
Protein change: p.Ala485Val; replaces alanine 485 with valine.
Molecular consequence: missense variant.
Genome position (GRCh38, 1-based): chr16:2,500,419, C>T. VCF-style: chr16-2500419-C-T. GRCh37 (hg19) VCF-style: chr16-2550420-C-T.
Other names: c.1436C>T, p.Ala479Val (NM_020705.3); short protein forms A479V, A485V.
Identifiers: ClinVar variation 2943986 (VCV002943986.3), dbSNP rs2505527094, ClinGen allele CA394381058.

ClinVar aggregate classification (germline): Uncertain significance (1 of 4 stars; one submission).

Conditions:
Autosomal dominant nonsyndromic hearing loss 65. Also called: Deafness, autosomal dominant 65; TBC1D24-Related Autosomal Dominant Nonsyndromic Hearing Loss (DFNA). Identifiers: Orphanet 90635, MedGen C3892048, MONDO:0014470, OMIM 616044.
Developmental and epileptic encephalopathy, 1 (DEE1). Also called: INFANTILE SPASM SYNDROME, X-LINKED 1; X-linked infantile spasms; West's syndrome; Tonic spasms with clustering, arrest of psychomotor development and hypsarrhythmia on EEG; X-Linked Infantile Spasm Syndrome; OHTAHARA SYNDROME, X-LINKED. Identifiers: MedGen C3463992, MONDO:0010632, OMIM 308350. Disease mechanism: loss of function.

Allele frequency attached by ClinVar (database versions not stated): gnomAD exomes below 0.00001.
gnomAD v4.1: 1 of 1,602,370 alleles (0.000062%); highest among the groups gnomAD compares: South Asian, 0.0011%; no homozygotes.

Submission:

Labcorp Genetics (formerly Invitae), Labcorp
Classification: Uncertain significance for Developmental and epileptic encephalopathy, 1; Autosomal dominant nonsyndromic hearing loss 65. Last evaluated: 2023-02-05. Review status: criteria provided, single submitter. Criteria: Invitae Variant Classification Sherloc (09022015). Collection method: clinical testing. Allele origin: germline.
Comment: This sequence change replaces alanine, which is neutral and non-polar, with valine, which is neutral and non-polar, at codon 485 of the TBC1D24 protein (p.Ala485Val). In summary, the available evidence is currently insufficient to determine the role of this variant in disease. Therefore, it has been classified as a Variant of Uncertain Significance. Advanced modeling of protein sequence and biophysical properties (such as structural, functional, and spatial information, amino acid conservation, physicochemical variation, residue mobility, and thermodynamic stability) performed at Invitae indicates that this missense variant is not expected to disrupt TBC1D24 protein function. This variant has not been reported in the literature in individuals affected with TBC1D24-related conditions. This variant is not present in population databases (gnomAD no frequency).